The following is an entry in ClinVar:

NM_006767.4(LZTR1):c.56G>A (p.Gly19Asp)

Genes: LZTR1 (leucine zipper like post translational regulator 1; plus strand), LOC130067016 (ATAC-STARR-seq lymphoblastoid silent region 13504; plus strand). Cytogenetic location: 22q11.21.
Variant type: single nucleotide variant.
Coding change: c.56G>A on transcript NM_006767.4 (MANE Select); coding-DNA position 56, G replaced by A.
Protein change: p.Gly19Asp; replaces glycine 19 with aspartic acid.
Molecular consequence: missense variant.
Genome position (GRCh38, 1-based): chr22:20,982,427, G>A. VCF-style: chr22-20982427-G-A. GRCh37 (hg19) VCF-style: chr22-21336716-G-A.
Other names: short protein forms G19D.
Identifiers: ClinVar variation 3541535 (VCV003541535.2).

ClinVar aggregate classification (germline): Uncertain significance. Review status: criteria provided, multiple submitters, no conflicts (2 of 4 stars). 2 submissions from 2 submitters: Uncertain significance (2). Last evaluated 2025-10-01.

Conditions:
Hereditary cancer-predisposing syndrome. Also called: Hereditary Cancer Syndrome; Hereditary neoplastic syndrome; Tumor predisposition; Neoplastic Syndromes, Hereditary. Identifiers: Orphanet 140162, MedGen C0027672, MeSH D009386, MONDO:0015356.
Cardiovascular phenotype. Identifiers: MedGen CN230736.

gnomAD v4.1: 1 of 1,576,962 alleles (0.000063%); highest among the groups gnomAD compares: African/African-American, 0.0013%; no homozygotes.

Submissions (2):

Labcorp Genetics (formerly Invitae), Labcorp
Classification: Uncertain significance. Last evaluated: 2025-10-01. Review status: criteria provided, single submitter. Criteria: Invitae Variant Classification Sherloc (09022015). Collection method: clinical testing. Allele origin: germline.
Comment: This sequence change replaces glycine, which is neutral and non-polar, with aspartic acid, which is acidic and polar, at codon 19 of the LZTR1 protein (p.Gly19Asp). This variant is not present in population databases (gnomAD no frequency). This variant has not been reported in the literature in individuals affected with LZTR1-related conditions. ClinVar contains an entry for this variant (Variation ID: 3541535). Invitae Evidence Modeling of protein sequence and biophysical properties (such as structural, functional, and spatial information, amino acid conservation, physicochemical variation, residue mobility, and thermodynamic stability) indicates that this missense variant is not expected to disrupt LZTR1 protein function with a negative predictive value of 80%. In summary, the available evidence is currently insufficient to determine the role of this variant in disease. Therefore, it has been classified as a Variant of Uncertain Significance.

Ambry Genetics
Classification: Uncertain significance for Cardiovascular phenotype; Hereditary cancer-predisposing syndrome. Last evaluated: 2024-11-21. Review status: criteria provided, single submitter. Criteria: Ambry Variant Classification Scheme 2023. Collection method: clinical testing. Allele origin: germline.
Comment: The p.G19D variant (also known as c.56G>A), located in coding exon 1 of the LZTR1 gene, results from a G to A substitution at nucleotide position 56. The glycine at codon 19 is replaced by aspartic acid, an amino acid with similar properties. This amino acid position is conserved. In addition, this alteration is predicted to be tolerated by in silico analysis. Based on the available evidence, the clinical significance of this variant remains unclear.